The following is an entry in ClinVar:

ClinVar aggregate classification (germline): Likely pathogenic. Review status: criteria provided, multiple submitters, no conflicts (2 of 4 stars). 3 submissions from 3 submitters: Likely pathogenic (2). 1 of the submissions does not count toward it. Last evaluated 2025-03-17.

Conditions:
Nemaline myopathy 2 (NEM2). Also called: Nemaline myopathy 2, autosomal recessive. Identifiers: MedGen C1850569, MONDO:0009725, OMIM 256030.
Arthrogryposis multiplex congenita 6. Identifiers: MedGen C5543431, MONDO:0030281, OMIM 619334.
Nemaline myopathy. Also called: Myopathies, Nemaline. Identifiers: Orphanet 607, MedGen C0206157, MONDO:0018958.

Allele frequency attached by ClinVar (database versions not stated): TOPMed 0.00001.
gnomAD v4.1: 1 of 1,613,862 alleles (0.000062%); highest among the groups gnomAD compares: African/African-American, 0.0013%; no homozygotes.

Submissions (3):

Broad Center for Mendelian Genomics, Broad Institute of MIT and Harvard
Classification: Likely pathogenic for Nemaline myopathy. Last evaluated: 2025-03-17. Review status: criteria provided, single submitter. Criteria: ACMG Guidelines, 2015. Collection method: curation. Allele origin: germline. Inheritance: Autosomal recessive inheritance.
Comment: The p.Glu3116Ter variant in NEB has not been previously reported in the literature in individuals with nemaline myopathy, but has been identified in 0.001% (1/74916) of African/African American chromosomes by the Genome Aggregation Database (gnomAD, dbSNP ID: rs193042896). Although this variant has been seen in the general population in a heterozygous state, its frequency is low enough to be consistent with a recessive carrier frequency. This variant has also been reported in ClinVar (Variation ID: 551922) and has been interpreted as likely pathogenic by Counsyl. This nonsense variant leads to a premature termination codon at position 3116, which is predicted to lead to a truncated or absent protein. Loss of function of the NEB gene is an established disease mechanism in autosomal recessive nemaline myopathy. In summary, although additional studies are required to fully establish its clinical significance, this variant is likely pathogenic for autosomal recessive nemaline myopathy. ACMG/AMP Criteria applied: PVS1, PM2_supporting (Richards 2015).

Fulgent Genetics
Classification: Likely pathogenic for Nemaline myopathy 2; Arthrogryposis multiplex congenita 6. Last evaluated: 2024-05-03. Review status: criteria provided, single submitter. Criteria: ACMG Guidelines, 2015. Collection method: clinical testing. Allele origin: germline.

Counsyl
Classification: Likely pathogenic for Nemaline myopathy 2. Last evaluated: 2017-05-19. Review status: no assertion criteria provided. Collection method: clinical testing. Allele origin: unknown. Not counted in ClinVar's aggregate classification.

NM_001164508.2(NEB):c.9346G>T (p.Glu3116Ter)

Gene: NEB (nebulin; minus strand). Cytogenetic location: 2q23.3.
Variant type: single nucleotide variant.
Coding change: c.9346G>T on transcript NM_001164508.2 (MANE Select); coding-DNA position 9346, G replaced by T.
Protein change: p.Glu3116Ter; replaces glutamic acid 3116 with a stop codon.
Molecular consequence: nonsense. On other transcripts: intron variant (1).
Genome position (GRCh38, 1-based): chr2:151,633,722, C>A on the plus strand (G>T on the coding strand, the complement: NEB is on the minus strand). VCF-style: chr2-151633722-C-A. GRCh37 (hg19) VCF-style: chr2-152490236-C-A.
Other names: NM_001164508.2(NEB):c.9346G>T; p.Glu3116Ter; c.9346G>T, p.Glu3116Ter (NM_001164507.2, NM_001271208.2); c.8854-2544G>T (NM_004543.5); short protein forms E3116*.
Identifiers: ClinVar variation 551922 (VCV000551922.4), dbSNP rs193042896, ClinGen allele CA348802926.
Genomic context (GRCh38, chr2:151,633,722, plus strand): 5'-GGAGGTCATAGGCCTGCCGAGCATGGATGACATCGCTCTGGTCAGGCAGGCATGTCCACT[C>A]GTGCAGGTAGTTCTTATAGTCCACGTCACTGACTAAGGTCTGGCACTTCTTGGCCAGCAC-3'